The following is an entry in ClinVar:

ClinVar aggregate classification (germline): Likely benign. Review status: criteria provided, multiple submitters, no conflicts (2 of 4 stars). 3 submissions from 3 submitters: Likely benign (3). Last evaluated 2023-11-27.

Conditions:
Charcot-Marie-Tooth disease axonal type 2O. Also called: Charcot-Marie-Tooth Neuropathy Type 2O; CHARCOT-MARIE-TOOTH NEUROPATHY, AXONAL, TYPE 2O; CHARCOT-MARIE-TOOTH DISEASE, AXONAL, AUTOSOMAL DOMINANT, TYPE 2O; Charcot-Marie-Tooth disease, axonal, type 20. Identifiers: Orphanet 284232, MedGen C3280220, MONDO:0013644, OMIM 614228.

Allele frequency attached by ClinVar (database versions not stated): ExAC 0.00002.
gnomAD v4.1: 7 of 1,612,238 alleles (0.00043%); highest among the groups gnomAD compares: South Asian, 0.0033%; 1 homozygote.

Submissions (3):

Labcorp Genetics (formerly Invitae), Labcorp
Classification: Likely benign for Charcot-Marie-Tooth disease axonal type 2O. Last evaluated: 2023-11-27. Review status: criteria provided, single submitter. Criteria: Invitae Variant Classification Sherloc (09022015). Collection method: clinical testing. Allele origin: germline.

Blueprint Genetics
Classification: Likely benign. Last evaluated: 2022-11-30. Review status: criteria provided, single submitter. Criteria: ACMG Guidelines, 2015. Collection method: clinical testing. Allele origin: germline.

GeneDx
Classification: Likely benign. Last evaluated: 2018-01-30. Review status: criteria provided, single submitter. Criteria: GeneDx Variant Classification (06012015). Collection method: clinical testing. Allele origin: germline. Affected: yes.
Comment: This variant is considered likely benign or benign based on one or more of the following criteria: it is a conservative change, it occurs at a poorly conserved position in the protein, it is predicted to be benign by multiple in silico algorithms, and/or has population frequency not consistent with disease.

NM_001376.5(DYNC1H1):c.6406-12C>G

Gene: DYNC1H1 (dynein cytoplasmic 1 heavy chain 1; plus strand). Cytogenetic location: 14q32.31.
Variant type: single nucleotide variant.
Coding change: c.6406-12C>G on transcript NM_001376.5 (MANE Select); 12 bases into the intron before coding-DNA position 6406, C replaced by G.
Molecular consequence: intron variant.
Genome position (GRCh38, 1-based): chr14:102,010,728, C>G. VCF-style: chr14-102010728-C-G. GRCh37 (hg19) VCF-style: chr14-102477065-C-G.
Identifiers: ClinVar variation 515033 (VCV000515033.5), dbSNP rs565676310, ClinGen allele CA7352619.